The following is an entry in ClinVar:

ClinVar aggregate classification (germline): Benign/Likely benign. Review status: criteria provided, multiple submitters, no conflicts (2 of 4 stars). 5 submissions from 5 submitters: Benign (1); Likely benign (3). 1 of the submissions does not count toward it. Last evaluated 2026-01-24.

Conditions:
PHIP-related disorder. Also called: PHIP-related condition; PHIP-related disorders.

Allele frequency attached by ClinVar (database versions not stated): gnomAD exomes 0.00022 and 0.00057; ExAC 0.00064; 1000 Genomes Project 0.00200; 1000 Genomes Project 30x 0.00203; TOPMed 0.00207; gnomAD 0.00209 and 0.00225; ESP Exome Variant Server 0.00231.
gnomAD v4.1: 656 of 1,611,846 alleles (0.041%); highest among the groups gnomAD compares: African/African-American, 0.67%; 3 homozygotes.

Submissions (5):

Labcorp Genetics (formerly Invitae), Labcorp
Classification: Benign. Last evaluated: 2026-01-24. Review status: criteria provided, single submitter. Criteria: Invitae Variant Classification Sherloc (09022015). Collection method: clinical testing. Allele origin: germline.

CeGaT Center for Human Genetics Tuebingen
Classification: Likely benign. Last evaluated: 2024-03-01. Review status: criteria provided, single submitter. Criteria: CeGaT Center For Human Genetics Tuebingen Variant Classification Criteria Version 2. Collection method: clinical testing. Allele origin: germline. Affected: yes. Observed: 1 variant allele.
Comment: PHIP: BP4, BP7, BS1

Genetic Services Laboratory, University of Chicago
Classification: Likely benign. Last evaluated: 2021-11-16. Review status: criteria provided, single submitter. Criteria: ACMG Guidelines, 2015. Collection method: clinical testing. Allele origin: germline. Affected: no.

Breakthrough Genomics
Classification: Likely benign. Review status: criteria provided, single submitter. Criteria: ACMG Guidelines, 2015. Collection method: not provided. Allele origin: germline. Inheritance: Autosomal dominant inheritance. Affected: yes.

PreventionGenetics, part of Exact Sciences
Classification: Benign for PHIP-related condition. Last evaluated: 2019-03-14. Review status: no assertion criteria provided. Collection method: clinical testing. Allele origin: germline. Not counted in ClinVar's aggregate classification.
Comment: This variant is classified as benign based on ACMG/AMP sequence variant interpretation guidelines (Richards et al. 2015 PMID: 25741868, with internal and published modifications).

NM_017934.7(PHIP):c.2256G>A (p.Arg752=)

Gene: PHIP (PHIP subunit of CUL4-Ring ligase complex; minus strand). Cytogenetic location: 6q14.1.
Variant type: single nucleotide variant.
Coding change: c.2256G>A on transcript NM_017934.7 (MANE Select); coding-DNA position 2256, G replaced by A.
Protein change: p.Arg752=; no amino-acid change (arginine 752 retained).
Molecular consequence: synonymous variant.
Genome position (GRCh38, 1-based): chr6:78,990,931, C>T on the plus strand (G>A on the coding strand, the complement: PHIP is on the minus strand). VCF-style: chr6-78990931-C-T. GRCh37 (hg19) VCF-style: chr6-79700648-C-T.
Identifiers: ClinVar variation 1336139 (VCV001336139.31), dbSNP rs149171291, ClinGen allele CA3899998.